The following is an entry in ClinVar:

ClinVar aggregate classification (germline): Conflicting classifications of pathogenicity. Review status: criteria provided, conflicting classifications (1 of 4 stars). 12 submissions from 12 submitters: Uncertain significance (3); Benign (3); Likely benign (4). 2 of the submissions do not count toward it. Last evaluated 2026-04-01.

Conditions:
Hereditary cancer-predisposing syndrome. Also called: Hereditary Cancer Syndrome; Hereditary neoplastic syndrome; Neoplastic Syndromes, Hereditary; Tumor predisposition. Identifiers: Orphanet 140162, MedGen C0027672, MeSH D009386, MONDO:0015356.
Inherited ovarian cancer (without breast cancer).
Breast-ovarian cancer, familial, susceptibility to, 1 (BROVCA1). Also called: BRCA1 Hereditary Breast and Ovarian Cancer; OVARIAN CANCER, SUSCEPTIBILITY TO. Identifiers: Orphanet 145, MedGen C2676676, MONDO:0011450, OMIM 604370. Disease mechanism: loss of function.
Hereditary breast ovarian cancer syndrome. Also called: BRCA1- and BRCA2-Associated Hereditary Breast and Ovarian Cancer; Hereditary breast and ovarian cancer syndrome; Hereditary breast and ovarian cancer syndrome (HBOC); Breast and ovarian cancer; Hereditary breast and/or ovarian cancer syndrome; Hereditary breast and ovarian cancer. Identifiers: Orphanet 145, MedGen C0677776, MeSH D061325, MONDO:0003582. Disease mechanism: loss of function.

Allele frequency attached by ClinVar (database versions not stated): gnomAD exomes 0.00001.
gnomAD v4.1: 14 of 1,612,000 alleles (0.00087%); highest among the groups gnomAD compares: Admixed American, 0.0017%; no homozygotes.

Submissions (12):

Genomics and Molecular Medicine Service, East Genomic Laboratory Hub, NHS Genomic Medicine Service
Classification: Benign for Inherited ovarian cancer (without breast cancer). Last evaluated: 2026-04-01. Review status: criteria provided, single submitter. Criteria: ACGS Best Practice Guidelines for Variant Classification in Rare Disease 2020. Collection method: clinical testing. Allele origin: germline. Affected: yes.
Comment: BS3_Strong,BP1_Strong

Labcorp Genetics (formerly Invitae), Labcorp
Classification: Likely benign for Hereditary breast ovarian cancer syndrome. Last evaluated: 2025-11-11. Review status: criteria provided, single submitter. Criteria: Invitae Variant Classification Sherloc (09022015). Collection method: clinical testing. Allele origin: germline.

Mayo Clinic Laboratories, Mayo Clinic
Classification: Benign. Last evaluated: 2025-10-10. Review status: criteria provided, single submitter. Criteria: ACMG Guidelines, 2015. Collection method: clinical testing. Allele origin: germline. Observed: 1 variant allele.
Comment: BS3, BP1_strong

Women's Health and Genetics/Laboratory Corporation of America, LabCorp
Classification: Benign. Last evaluated: 2025-01-22. Review status: criteria provided, single submitter. Criteria: LabCorp Variant Classification Summary - May 2015. Collection method: clinical testing. Allele origin: germline.
Comment: Variant summary: BRCA1 c.755G>A (p.Arg252His) results in a non-conservative amino acid change in the encoded protein sequence. Four of five in-silico tools predict a benign effect of the variant on protein function. The variant allele was found at a frequency of 8e-06 in 249320 control chromosomes. The available data on variant occurrences in the general population are insufficient to allow any conclusion about variant significance. c.755G>A has been reported in the literature in individuals affected with breast and/or ovarian cancers without strong evidence for causality (e.g. Santonocito_2020, deOliveria_2022). These reports do not provide unequivocal conclusions about association of the variant with Hereditary Breast And Ovarian Cancer Syndrome. Co-occurrences with other pathogenic variants have also been reported (BRCA1 c.547+2T>A (BIC database; BRCA2 c..7180A>T, p..Arg2394X (deOliveria_2022)), providing supporting evidence for a benign role. At least one publication reports experimental evidence evaluating an impact on protein function (Bouwman_2020). These results showed no damaging effect of this variant on ability to complement BRCA1-deficient mouse embryonic stem cells in homologous recombination DNA repair (HRR) using cisplatin and olaparib sensitivity assays and a direct GFP HRR assay. The following publications have been ascertained in the context of this evaluation (PMID: 18273839, 32546644, 32438681, 35534704). ClinVar contains an entry for this variant (Variation ID: 55689). Based on the evidence outlined above, the variant was classified as benign.

GeneDx
Classification: Uncertain significance. Last evaluated: 2024-04-05. Review status: criteria provided, single submitter. Criteria: GeneDx Variant Classification Process June 2021. Collection method: clinical testing. Allele origin: germline. Affected: yes.
Comment: Not observed at significant frequency in large population cohorts (gnomAD); Observed in an individual with personal and/or family history of breast or ovarian cancer (PMID: 32438681); Published protein-based functional assays suggest no damaging effect: neutral in three homologous recombination repair complementation assays (PMID: 32546644); In silico analysis supports that this missense variant does not alter protein structure/function; Also known as 874G>A; This variant is associated with the following publications: (PMID: 16267036, 18273839, 15235020, 26913838, 23893897, 9926942, 9582019, 9788437, 20215511, 31131967, 31911673, 32438681, 32546644)

University of Washington Department of Laboratory Medicine, University of Washington
Classification: Likely benign for Hereditary cancer-predisposing syndrome. Last evaluated: 2023-03-23. Review status: criteria provided, single submitter. Criteria: Dines et al. (Genet Med. 2020). Collection method: curation. Allele origin: germline.
Comment: Missense variant in a coldspot region where missense variants are very unlikely to be pathogenic (PMID:31911673).

BRCA1 coldspot (exon 11 using historical exon numbering). Reclassification based on statistical prior probability

Quest Diagnostics Nichols Institute San Juan Capistrano
Classification: Uncertain significance. Last evaluated: 2019-09-16. Review status: criteria provided, single submitter. Criteria: Quest Diagnostics criteria. Collection method: clinical testing. Allele origin: unknown.

Mendelics
Classification: Uncertain significance for Breast-ovarian cancer, familial, susceptibility to, 1. Last evaluated: 2019-05-28. Review status: criteria provided, single submitter. Criteria: Mendelics Assertion Criteria 2017. Collection method: clinical testing. Allele origin: unknown.

Ambry Genetics
Classification: Likely benign for Hereditary cancer-predisposing syndrome. Last evaluated: 2019-01-17. Review status: criteria provided, single submitter. Criteria: Ambry Variant Classification Scheme 2023. Collection method: clinical testing. Allele origin: germline.

Color Diagnostics, LLC DBA Color Health
Classification: Likely benign for Hereditary cancer-predisposing syndrome. Last evaluated: 2017-02-21. Review status: criteria provided, single submitter. Criteria: ACMG Guidelines, 2015. Collection method: clinical testing. Allele origin: germline.

Counsyl
Classification: Uncertain significance for Breast-ovarian cancer, familial, susceptibility to, 1. Last evaluated: 2016-07-19. Review status: no assertion criteria provided. Collection method: clinical testing. Allele origin: unknown. Not counted in ClinVar's aggregate classification.

Breast Cancer Information Core (BIC) (BRCA1)
Classification: Uncertain significance for Breast-ovarian cancer, familial 1. Last evaluated: 2002-05-29. Review status: no assertion criteria provided. Collection method: clinical testing. Allele origin: germline. Affected: yes. Observed: 3 variant alleles. Not counted in ClinVar's aggregate classification.

Literature cited by the submitters: PubMed 18273839 (cited by 4 submitters); PubMed 32438681 (cited by Women's Health and Genetics/Laboratory Corporation of America, LabCorp); PubMed 32546644 (cited by Women's Health and Genetics/Laboratory Corporation of America, LabCorp); PubMed 35534704 (cited by Women's Health and Genetics/Laboratory Corporation of America, LabCorp); PubMed 15235020 (cited by Quest Diagnostics Nichols Institute San Juan Capistrano); PubMed 16267036 (cited by Quest Diagnostics Nichols Institute San Juan Capistrano).

NM_007294.4(BRCA1):c.755G>A (p.Arg252His)

Gene: BRCA1 (BRCA1 DNA repair associated; minus strand). Cytogenetic location: 17q21.31.
Variant type: single nucleotide variant.
Coding change: c.755G>A on transcript NM_007294.4 (MANE Select); coding-DNA position 755, G replaced by A.
Protein change: p.Arg252His; replaces arginine 252 with histidine.
Molecular consequence: missense variant. On other transcripts: non-coding transcript variant (1).
Genome position (GRCh38, 1-based): chr17:43,094,776, C>T on the plus strand (G>A on the coding strand, the complement: BRCA1 is on the minus strand). VCF-style: chr17-43094776-C-T. GRCh37 (hg19) VCF-style: chr17-41246793-C-T.
Other names: p.Arg252His; c.542G>A, p.Arg181His (NM_001407571.1, NM_001407853.1, NM_001407894.1 and 12 more transcripts); c.755G>A, p.Arg252His (NM_001407581.1, NM_001407582.1, NM_001407583.1 and 54 more transcripts); c.752G>A, p.Arg251His (NM_001407587.1, NM_001407590.1, NM_001407591.1 and 38 more transcripts); c.746G>A, p.Arg249His (NM_001407646.1, NM_001407647.1, NM_001408408.1); c.632G>A, p.Arg211His (NM_001407648.1, NM_001407664.1, NM_001407665.1 and 34 more transcripts); c.629G>A, p.Arg210His (NM_001407649.1, NM_001407670.1, NM_001407671.1 and 20 more transcripts); c.677G>A, p.Arg226His (NM_001407653.1, NM_001407654.1, NM_001407655.1 and 9 more transcripts); and 15 more; short protein forms R252H, R205H, R125H, R141H, R207H, R225H, R124H, R140H.
Identifiers: ClinVar variation 55689 (VCV000055689.46), dbSNP rs80357138, ClinGen allele CA003849.
Genomic context (GRCh38, chr17:43,094,776, plus strand): 5'-TCCACATGCAAGTTTGAAACAGAACTACCCTGATACTTTTCTGGATGCCTCTCAGCTGCA[C>T]GCTTCTCAGTGGTGTTCAAATCATTATTACTGGGTTGATGATGTTCAGTATTTGTTACAT-3'
Protein context (NP_009225.1, residues 242-262): SNNDLNTTEK[Arg252His]AAERHPEKYQ